The following is an entry in ClinVar:

ClinVar aggregate classification (germline): Uncertain significance (1 of 4 stars; one submission).

Conditions:
Cardiomyopathy (CMYO). Also called: Cardiomyopathies. Identifiers: Orphanet 167848, MedGen C0878544, MONDO:0004994, HP:0001638. Inheritance: Various modes of inheritance.

Submission:

Color Diagnostics, LLC DBA Color Health
Classification: Uncertain significance for Cardiomyopathy. Last evaluated: 2025-09-18. Review status: criteria provided, single submitter. Criteria: ACMG Guidelines, 2015. Collection method: clinical testing. Allele origin: germline.
Comment: This missense variant replaces arginine with glycine at codon 302 of the PKP2 protein. Computational prediction suggests that this variant may not impact protein structure and function. To our knowledge, functional studies have not been reported for this variant. This variant has not been reported in individuals affected with PKP2-related disorders in the literature. This variant has not been identified in the general population by the Genome Aggregation Database (gnomAD). The available evidence is insufficient to determine the role of this variant in disease conclusively. Therefore, this variant is classified as a Variant of Uncertain Significance.

NM_001005242.3(PKP2):c.904A>G (p.Arg302Gly)

Gene: PKP2 (plakophilin 2; minus strand). Cytogenetic location: 12p11.21.
Variant type: single nucleotide variant.
Coding change: c.904A>G on transcript NM_001005242.3 (MANE Select); coding-DNA position 904, A replaced by G.
Protein change: p.Arg302Gly; replaces arginine 302 with glycine.
Molecular consequence: missense variant.
Genome position (GRCh38, 1-based): chr12:32,877,976, T>C on the plus strand (A>G on the coding strand, the complement: PKP2 is on the minus strand). VCF-style: chr12-32877976-T-C. GRCh37 (hg19) VCF-style: chr12-33030910-T-C.
Other names: c.904A>G, p.Arg302Gly (NM_001407155.1, NM_001407156.1, NM_001407157.1 and 2 more transcripts); c.577A>G, p.Arg193Gly (NM_001407158.1, NM_001407159.1, NM_001407160.1 and 1 more transcripts); short protein forms R193G, R302G.
Identifiers: ClinVar variation 4756494 (VCV004756494.1).